The following is an entry in ClinVar:

NM_020717.5(SHROOM4):c.1733C>G (p.Ser578Trp)

Gene: SHROOM4 (shroom family member 4; minus strand). Cytogenetic location: Xp11.22.
Variant type: single nucleotide variant.
Coding change: c.1733C>G on transcript NM_020717.5 (MANE Select); coding-DNA position 1733, C replaced by G.
Protein change: p.Ser578Trp; replaces serine 578 with tryptophan.
Molecular consequence: missense variant. On other transcripts: non-coding transcript variant (4).
Genome position (GRCh38, 1-based): chrX:50,634,340, G>C on the plus strand (C>G on the coding strand, the complement: SHROOM4 is on the minus strand). VCF-style: chrX-50634340-G-C. GRCh37 (hg19) VCF-style: chrX-50377340-G-C.
Other names: short protein forms S578W.
Identifiers: ClinVar variation 5029557 (VCV005029557.1).

ClinVar aggregate classification (germline): Uncertain significance (1 of 4 stars; one submission).

gnomAD v4.1: 10 of 1,208,545 alleles (0.00083%); highest among the groups gnomAD compares: Middle Eastern, 0.023%; no homozygotes.

Submission:

Ambry Genetics
Classification: Uncertain significance. Last evaluated: 2026-06-29. Review status: criteria provided, single submitter. Criteria: Ambry Variant Classification Scheme 2023. Collection method: clinical testing. Allele origin: germline.
Comment: The c.1733C>G (p.S578W) alteration is located in exon 4 (coding exon 4) of the SHROOM4 gene. This alteration results from a C to G substitution at nucleotide position 1733, causing the serine (S) at amino acid position 578 to be replaced by a tryptophan (W). Based on data from gnomAD, the G allele has an overall frequency of 0.002% (3/204005) total alleles studied. The highest observed frequency was 0.019% (1/5303) of Other alleles. Based on insufficient or conflicting evidence, the clinical significance of this alteration remains unclear.